The following is an entry in ClinVar:

ClinVar aggregate classification (germline): Conflicting classifications of pathogenicity. Review status: criteria provided, conflicting classifications (1 of 4 stars). 4 submissions from 4 submitters: Uncertain significance (2); Benign (1); Likely benign (1). Last evaluated 2024-08-10.

Conditions:
Bethlem myopathy 1A. Also called: MYOPATHY, BENIGN CONGENITAL, WITH CONTRACTURES; Bethlem myopathy 1; Bethlem Muscular Dystrophy. Identifiers: Orphanet 610, MedGen CN029274, MONDO:0024530, OMIM 158810.
Collagen 6-related myopathy. Identifiers: MedGen CN117976, MONDO:0100225.

Allele frequency attached by ClinVar (database versions not stated): gnomAD 0.00005 and 0.00007; gnomAD exomes 0.00010 and 0.00005; ExAC 0.00011; TOPMed 0.00006.

Submissions (4):

Labcorp Genetics (formerly Invitae), Labcorp
Classification: Likely benign for Bethlem myopathy 1A. Last evaluated: 2024-08-10. Review status: criteria provided, single submitter. Criteria: Invitae Variant Classification Sherloc (09022015). Collection method: clinical testing. Allele origin: germline.

Revvity Omics, Revvity
Classification: Uncertain significance. Last evaluated: 2020-05-26. Review status: criteria provided, single submitter. Criteria: ACMG Guidelines, 2015. Collection method: clinical testing. Allele origin: germline.

Illumina Laboratory Services, Illumina
Classification: Benign for Collagen VI-related myopathy. Last evaluated: 2018-01-13. Review status: criteria provided, single submitter. Criteria: ICSL Variant Classification Criteria 13 December 2019. Collection method: clinical testing. Allele origin: germline.
Comment: This variant was observed in the ICSL laboratory as part of a predisposition screen in an ostensibly healthy population. It had not been previously curated by ICSL or reported in the Human Gene Mutation Database (HGMD: prior to June 1st, 2018), and was therefore a candidate for classification through an automated scoring system. Utilizing variant allele frequency, disease prevalence and penetrance estimates, and inheritance mode, an automated score was calculated to assess if this variant is too frequent to cause the disease. Based on the score and internal cut-off values, a variant classified as benign is not then subjected to further curation. The score for this variant resulted in a classification of benign for this disease.

Eurofins Ntd Llc (ga)
Classification: Uncertain significance. Last evaluated: 2017-02-03. Review status: criteria provided, single submitter. Criteria: EGL Classification Definitions 2015. Collection method: clinical testing. Allele origin: germline. Observed: 1 variant allele, 1 heterozygote.

NM_001848.3(COL6A1):c.2752G>A (p.Asp918Asn)

Gene: COL6A1 (collagen type VI alpha 1 chain; plus strand). Cytogenetic location: 21q22.3.
Variant type: single nucleotide variant.
Coding change: c.2752G>A on transcript NM_001848.3 (MANE Select); coding-DNA position 2752, G replaced by A.
Protein change: p.Asp918Asn; replaces aspartic acid 918 with asparagine.
Molecular consequence: missense variant.
Genome position (GRCh38, 1-based): chr21:46,003,678, G>A. VCF-style: chr21-46003678-G-A. GRCh37 (hg19) VCF-style: chr21-47423592-G-A.
Other names: short protein forms D918N.
Identifiers: ClinVar variation 500308 (VCV000500308.19), dbSNP rs750512162, ClinGen allele CA10071022.
Genomic context (GRCh38, chr21:46,003,678, plus strand): 5'-ACGGCCCTGGCCAGTGCCGTCGATGCCATGGACTTTATCAACGACGCCACCGACGTCAAC[G>A]ATGCCCTGGGCTATGTGACCCGCTTCTACCGCGAGGCCTCGTCCGGCGCTGCCAAGAAGA-3'
Protein context (NP_001839.2, residues 908-928): DFINDATDVN[Asp918Asn]ALGYVTRFYR